The following is an entry in ClinVar:

ClinVar aggregate classification (germline): Uncertain significance (1 of 4 stars; one submission).

Conditions:
Bardet-Biedl syndrome (BBS). Identifiers: Orphanet 110, MedGen C0752166, MONDO:0015229.

Submission:

Labcorp Genetics (formerly Invitae), Labcorp
Classification: Uncertain significance for Bardet-Biedl syndrome. Last evaluated: 2023-06-13. Review status: criteria provided, single submitter. Criteria: Invitae Variant Classification Sherloc (09022015). Collection method: clinical testing. Allele origin: germline.
Comment: In summary, the available evidence is currently insufficient to determine the role of this variant in disease. Therefore, it has been classified as a Variant of Uncertain Significance. Advanced modeling of protein sequence and biophysical properties (such as structural, functional, and spatial information, amino acid conservation, physicochemical variation, residue mobility, and thermodynamic stability) performed at Invitae indicates that this missense variant is not expected to disrupt BBS1 protein function. ClinVar contains an entry for this variant (Variation ID: 957297). This variant has not been reported in the literature in individuals affected with BBS1-related conditions. This variant is not present in population databases (gnomAD no frequency). This sequence change replaces serine, which is neutral and polar, with arginine, which is basic and polar, at codon 579 of the BBS1 protein (p.Ser579Arg).

NM_024649.5(BBS1):c.1737T>G (p.Ser579Arg)

Genes: BBS1 (Bardet-Biedl syndrome 1; plus strand), ZDHHC24 (zDHHC palmitoyltransferase 24; minus strand). Cytogenetic location: 11q13.2.
Variant type: single nucleotide variant.
Coding change: c.1737T>G on transcript NM_024649.5 (MANE Select); coding-DNA position 1737, T replaced by G.
Protein change: p.Ser579Arg; replaces serine 579 with arginine.
Molecular consequence: missense variant. On other transcripts: intron variant (1).
Genome position (GRCh38, 1-based): chr11:66,531,992, T>G. VCF-style: chr11-66531992-T-G. GRCh37 (hg19) VCF-style: chr11-66299463-T-G.
Other names: c.560-2504A>C (NM_001348571.2); short protein forms S579R.
Identifiers: ClinVar variation 957297 (VCV000957297.10), dbSNP rs1856804554, ClinGen allele CA381426593.